The following is an entry in ClinVar:

NM_001927.4(DES):c.488G>A (p.Arg163Gln)

Gene: DES (desmin; plus strand). Cytogenetic location: 2q35.
Variant type: single nucleotide variant.
Coding change: c.488G>A on transcript NM_001927.4 (MANE Select); coding-DNA position 488, G replaced by A.
Protein change: p.Arg163Gln; replaces arginine 163 with glutamine.
Molecular consequence: missense variant.
Genome position (GRCh38, 1-based): chr2:219,418,950, G>A. VCF-style: chr2-219418950-G-A. GRCh37 (hg19) VCF-style: chr2-220283672-G-A.
Other names: c.488G>A (LRG_380t1); short protein forms R163Q.
Identifiers: ClinVar variation 575369 (VCV000575369.10), dbSNP rs1457012198, ClinGen allele CA350686609.

ClinVar aggregate classification (germline): Uncertain significance. Review status: criteria provided, multiple submitters, no conflicts (2 of 4 stars). 2 submissions from 2 submitters: Uncertain significance (2). Last evaluated 2026-01-10.

Conditions:
Cardiovascular phenotype. Identifiers: MedGen CN230736.
Desmin-related myofibrillar myopathy (MFM1). Also called: Desmin related myopathy (former name); Desmin storage myopathy (former name); Desminopathy; MYOFIBRILLAR MYOPATHY WITH ARRHYTHMOGENIC RIGHT VENTRICULAR CARDIOMYOPATHY; DESMIN-RELATED MYOPATHY WITH ARRHYTHMOGENIC RIGHT VENTRICULAR CARDIOMYOPATHY; Myofibrillar myopathy 1. Identifiers: Orphanet 363543, Orphanet 98909, MedGen C1832370, MONDO:0011076, OMIM 601419.

Submissions (2):

Ambry Genetics
Classification: Uncertain significance for Cardiovascular phenotype. Last evaluated: 2026-01-10. Review status: criteria provided, single submitter. Criteria: Ambry Variant Classification Scheme 2023. Collection method: clinical testing. Allele origin: germline.
Comment: The p.R163Q variant (also known as c.488G>A), located in coding exon 1 of the DES gene, results from a G to A substitution at nucleotide position 488. The arginine at codon 163 is replaced by glutamine, an amino acid with highly similar properties. This amino acid position is conserved. In addition, this alteration is predicted to be deleterious by in silico analysis. Based on the available evidence, the clinical significance of this variant remains unclear.

Labcorp Genetics (formerly Invitae), Labcorp
Classification: Uncertain significance for Desmin-related myofibrillar myopathy. Last evaluated: 2022-03-24. Review status: criteria provided, single submitter. Criteria: Invitae Variant Classification Sherloc (09022015). Collection method: clinical testing. Allele origin: germline.
Comment: This variant is not present in population databases (gnomAD no frequency). In summary, the available evidence is currently insufficient to determine the role of this variant in disease. Therefore, it has been classified as a Variant of Uncertain Significance. Algorithms developed to predict the effect of missense changes on protein structure and function are either unavailable or do not agree on the potential impact of this missense change (SIFT: "Deleterious"; PolyPhen-2: "Probably Damaging"; Align-GVGD: "Class C0"). ClinVar contains an entry for this variant (Variation ID: 575369). This variant has not been reported in the literature in individuals affected with DES-related conditions. This sequence change replaces arginine, which is basic and polar, with glutamine, which is neutral and polar, at codon 163 of the DES protein (p.Arg163Gln).